The following is an entry in ClinVar:

ClinVar aggregate classification (germline): Uncertain significance (1 of 4 stars; one submission).

Conditions:
Familial adenomatous polyposis 2. Also called: COLORECTAL ADENOMATOUS POLYPOSIS, AUTOSOMAL RECESSIVE; ADENOMAS, MULTIPLE COLORECTAL, AUTOSOMAL RECESSIVE; MUTYH-associated polyposis; FAP type 2; MUTYH-related attenuated familial adenomatous polyposis; Adenomas, multiple colorectal. Identifiers: Orphanet 220460, Orphanet 247798, MedGen C3272841, MONDO:0012041, OMIM 608456.

Submission:

Labcorp Genetics (formerly Invitae), Labcorp
Classification: Uncertain significance for Familial adenomatous polyposis 2. Last evaluated: 2017-05-14. Review status: criteria provided, single submitter. Criteria: Invitae Variant Classification Sherloc (09022015). Collection method: clinical testing. Allele origin: germline.
Comment: In summary, this variant is a rare missense change that is not predicted to affect protein function. While it is absent from the population and reported in affected individuals, the available evidence is currently insufficient to determine its role in disease. Therefore, it has been classified as a Variant of Uncertain Significance. Algorithms developed to predict the effect of missense changes on protein structure and function output the following: SIFT: "Tolerated"; PolyPhen-2: "Benign"; Align-GVGD: "Class C0". The threonine amino acid residue is found in multiple mammalian species, suggesting that this missense change does not adversely affect protein function. These predictions have not been confirmed by published functional studies. This sequence change replaces alanine with threonine at codon 385 of the MUTYH protein (p.Ala385Thr). The alanine residue is weakly conserved and there is a small physicochemical difference between alanine and threonine. This variant is not present in population databases (ExAC no frequency). This variant has been reported in individuals in the Leiden Open-source Variation Database in an individual affected with breast cancer co-occurring with another rare missense change (PMID: 21520333).

Literature cited by the submitters: PubMed 21520333.

NM_001048174.2(MUTYH):c.1069G>A (p.Ala357Thr)

Gene: MUTYH (mutY DNA glycosylase; minus strand). Cytogenetic location: 1p34.1.
Variant type: single nucleotide variant.
Coding change: c.1069G>A on transcript NM_001048174.2 (MANE Select); coding-DNA position 1069, G replaced by A.
Protein change: p.Ala357Thr; replaces alanine 357 with threonine.
Molecular consequence: missense variant. On other transcripts: non-coding transcript variant (2).
Genome position (GRCh38, 1-based): chr1:45,331,694, C>T on the plus strand (G>A on the coding strand, the complement: MUTYH is on the minus strand). VCF-style: chr1-45331694-C-T. GRCh37 (hg19) VCF-style: chr1-45797366-C-T.
Other names: c.1069G>A, p.Ala357Thr (NM_001048171.2, NM_001048173.2, NM_001293195.2); c.1072G>A, p.Ala358Thr (NM_001048172.2); c.1153G>A, p.Ala385Thr (NM_001128425.2); c.1114G>A, p.Ala372Thr (NM_001293190.2); c.1102G>A, p.Ala368Thr (NM_001293191.2); c.793G>A, p.Ala265Thr (NM_001293192.2, NM_001293196.2); c.724G>A, p.Ala242Thr (NM_001350650.2, NM_001350651.2); c.1144G>A, p.Ala382Thr (NM_012222.3); short protein forms A385T, A357T, A368T, A265T, A358T, A242T, A372T, A382T.
Identifiers: ClinVar variation 464678 (VCV000464678.7), dbSNP rs876659232, ClinGen allele CA340133372.
Genomic context (GRCh38, chr1:45,331,694, plus strand): 5'-TGCCCTCCACGCCCAGTATCCAGGTACCTGAGTTGGGCCTCTGCACCAGCAGAATTTGGG[C>T]CCCAAGGGCCCCAGGCTGTTCCAGAACACAGGTGGCAGAGCTCTCCTCCCTGGGGGGCTT-3'
Protein context (NP_001041639.1, residues 347-367): CVLEQPGALG[Ala357Thr]QILLVQRPNS